The following is an entry in ClinVar:

NM_001903.5(CTNNA1):c.1390-6_1392delinsA

Gene: CTNNA1 (catenin alpha 1; plus strand). Cytogenetic location: 5q31.2.
Variant type: Indel.
Coding change: c.1390-6_1392delinsA on transcript NM_001903.5 (MANE Select); 6 bases into the intron before coding-DNA position 1390 through coding-DNA position 1392, TTGCAGGTT replaced by A.
Molecular consequence: splice acceptor variant.
Genome position (GRCh38, 1-based): chr5:138,917,736-138,917,744, TTGCAGGTT replaced by A. VCF-style: chr5-138917736-TTGCAGGTT-A. GRCh37 (hg19) VCF-style: chr5-138253425-TTGCAGGTT-A.
Other names: c.280-6_282delinsA (NM_001323993.1, NM_001324005.1, NM_001323998.1 and 17 more transcripts); c.-60-6_-58delinsA (NM_001324007.1, NM_001324009.1, NM_001324006.1 and 2 more transcripts); c.37-6_39delinsA (NM_001324013.1, NM_001324012.1); c.187-6_189delinsA (NM_001324011.1); c.1390-6_1392delinsA (NM_001323982.2, NM_001323984.2, NM_001290307.3 and 2 more transcripts); c.1297-6_1299delinsA (NM_001323986.2); c.1021-6_1023delinsA (NM_001290310.3); c.1081-6_1083delinsA (NM_001290309.3).
Identifiers: ClinVar variation 2673288 (VCV002673288.1), dbSNP rs2533586897, ClinGen allele CA2695198757.

ClinVar aggregate classification (germline): Likely pathogenic (1 of 4 stars; one submission).

Conditions:
Hereditary diffuse gastric adenocarcinoma (HDGC). Also called: DIFFUSE GASTRIC AND LOBULAR BREAST CANCER SYNDROME. Identifiers: Orphanet 26106, MedGen C1708349, MONDO:0007648, OMIM 137215.

Submission:

Myriad Genetics, Inc.
Classification: Likely pathogenic for Hereditary diffuse gastric adenocarcinoma. Last evaluated: 2023-07-05. Review status: criteria provided, single submitter. Criteria: Myriad Autosomal Dominant, Autosomal Recessive and X-Linked Classification Criteria (2023). Collection method: clinical testing. Allele origin: unknown.
Comment: This variant is considered likely pathogenic. This variant occurs within a consensus splice junction and is predicted to result in abnormal mRNA splicing of either an out-of-frame exon or an in-frame exon necessary for protein stability and/or normal function.